The following is an entry in ClinVar:

NC_000008.10:g.(?_100168757)_(100168991_?)del

Gene: VPS13B (vacuolar protein sorting 13 homolog B; plus strand). Cytogenetic location: 8q22.2.
Variant type: Deletion.
Identifiers: ClinVar variation 2426369 (VCV002426369.4).

ClinVar aggregate classification (germline): Uncertain significance (1 of 4 stars; one submission).

Conditions:
Cohen syndrome (COH1). Also called: Cutis verticis gyrata, retinitis pigmentosa, and sensorineural deafness; PEPPER SYNDROME. Identifiers: Orphanet 193, MedGen C0265223, MONDO:0008999, OMIM 216550.

Submission:

Labcorp Genetics (formerly Invitae), Labcorp
Classification: Uncertain significance for Cohen syndrome. Last evaluated: 2022-03-09. Review status: criteria provided, single submitter. Criteria: Invitae Variant Classification Sherloc (09022015). Collection method: clinical testing. Allele origin: germline.
Comment: In summary, the available evidence is currently insufficient to determine the role of this variant in disease. Therefore, it has been classified as a Variant of Uncertain Significance. Experimental studies and prediction algorithms are not available or were not evaluated, and the functional significance of this variant is currently unknown. This variant has not been reported in the literature in individuals affected with VPS13B-related conditions. This variant is a gross deletion of the genomic region encompassing exon(s) 15 of the VPS13B gene. This variant would be expected to be in-frame, preserving the integrity of the reading frame.